The following is an entry in ClinVar:

ClinVar aggregate classification (germline): Uncertain significance (1 of 4 stars; one submission).

Conditions:
Joubert syndrome. Also called: CEREBELLOPARENCHYMAL DISORDER IV; JOUBERT-BOLTSHAUSER SYNDROME; Familial aplasia of the vermis. Identifiers: Orphanet 475, MedGen C5979921, MONDO:0018772.
Nephronophthisis. Also called: Juvenile Nephronophthisis. Identifiers: Orphanet 655, MedGen C0687120, MONDO:0019005, HP:0000090.
Meckel-Gruber syndrome. Also called: DYSENCEPHALIA SPLANCHNOCYSTICA; GRUBER SYNDROME; Dysencephalia splachnocystica. Identifiers: Orphanet 564, MedGen C0265215, MONDO:0018921.

Submission:

Labcorp Genetics (formerly Invitae), Labcorp
Classification: Uncertain significance for Joubert syndrome; Meckel-Gruber syndrome; Nephronophthisis. Last evaluated: 2022-07-06. Review status: criteria provided, single submitter. Criteria: Invitae Variant Classification Sherloc (09022015). Collection method: clinical testing. Allele origin: germline.
Comment: In summary, the available evidence is currently insufficient to determine the role of this variant in disease. Therefore, it has been classified as a Variant of Uncertain Significance. Algorithms developed to predict the effect of missense changes on protein structure and function (SIFT, PolyPhen-2, Align-GVGD) all suggest that this variant is likely to be tolerated. This sequence change replaces threonine, which is neutral and polar, with serine, which is neutral and polar, at codon 2199 of the CEP290 protein (p.Thr2199Ser). This variant is not present in population databases (gnomAD no frequency). This variant has not been reported in the literature in individuals affected with CEP290-related conditions.

NM_025114.4(CEP290):c.6595A>T (p.Thr2199Ser)

Gene: CEP290 (centrosomal protein 290; minus strand). Cytogenetic location: 12q21.32.
Variant type: single nucleotide variant.
Coding change: c.6595A>T on transcript NM_025114.4 (MANE Select); coding-DNA position 6595, A replaced by T.
Protein change: p.Thr2199Ser; replaces threonine 2199 with serine.
Molecular consequence: missense variant.
Genome position (GRCh38, 1-based): chr12:88,059,948, T>A on the plus strand (A>T on the coding strand, the complement: CEP290 is on the minus strand). VCF-style: chr12-88059948-T-A. GRCh37 (hg19) VCF-style: chr12-88453725-T-A.
Other names: short protein forms T2199S.
Identifiers: ClinVar variation 2165617 (VCV002165617.4), dbSNP rs1319582077, ClinGen allele CA385978113.